The following is an entry in ClinVar:

NM_002528.7(NTHL1):c.70T>G (p.Cys24Gly)

Gene: NTHL1 (nth like DNA glycosylase 1; minus strand). Cytogenetic location: 16p13.3.
Variant type: single nucleotide variant.
Coding change: c.70T>G on transcript NM_002528.7 (MANE Select); coding-DNA position 70, T replaced by G.
Protein change: p.Cys24Gly; replaces cysteine 24 with glycine.
Molecular consequence: missense variant. On other transcripts: 5 prime UTR variant (1).
Genome position (GRCh38, 1-based): chr16:2,047,754, A>C on the plus strand (T>G on the coding strand, the complement: NTHL1 is on the minus strand). VCF-style: chr16-2047754-A-C. GRCh37 (hg19) VCF-style: chr16-2097755-A-C.
Other names: c.94T>G (NM_002528.5); c.70T>G, p.Cys24Gly (NM_001318193.2); c.-109T>G (NM_001318194.2); short protein forms C24G.
Identifiers: ClinVar variation 2150507 (VCV002150507.4), dbSNP rs1596227962, ClinGen allele CA394298399.

ClinVar aggregate classification (germline): Conflicting classifications of pathogenicity. Review status: criteria provided, conflicting classifications (1 of 4 stars). 2 submissions from 2 submitters: Uncertain significance (1); Likely benign (1). Last evaluated 2025-09-25.

Conditions:
Hereditary cancer-predisposing syndrome. Also called: Tumor predisposition; Hereditary neoplastic syndrome; Hereditary Cancer Syndrome; Neoplastic Syndromes, Hereditary. Identifiers: Orphanet 140162, MedGen C0027672, MeSH D009386, MONDO:0015356.

Submissions (2):

Ambry Genetics
Classification: Likely benign for Hereditary cancer-predisposing syndrome. Last evaluated: 2025-09-25. Review status: criteria provided, single submitter. Criteria: Ambry Variant Classification Scheme 2023. Collection method: clinical testing. Allele origin: germline.

Labcorp Genetics (formerly Invitae), Labcorp
Classification: Uncertain significance. Last evaluated: 2022-09-27. Review status: criteria provided, single submitter. Criteria: Invitae Variant Classification Sherloc (09022015). Collection method: clinical testing. Allele origin: germline.
Comment: This variant has not been reported in the literature in individuals affected with NTHL1-related conditions. In summary, the available evidence is currently insufficient to determine the role of this variant in disease. Therefore, it has been classified as a Variant of Uncertain Significance. Algorithms developed to predict the effect of missense changes on protein structure and function output the following: SIFT: "Not Available"; PolyPhen-2: "Benign"; Align-GVGD: "Not Available". The glycine amino acid residue is found in multiple mammalian species, which suggests that this missense change does not adversely affect protein function. This variant is not present in population databases (gnomAD no frequency). This sequence change replaces cysteine, which is neutral and slightly polar, with glycine, which is neutral and non-polar, at codon 32 of the NTHL1 protein (p.Cys32Gly).